The following is an entry in ClinVar:

ClinVar aggregate classification (germline): Uncertain significance (1 of 4 stars; one submission).

Submission:

Labcorp Genetics (formerly Invitae), Labcorp
Classification: Uncertain significance. Last evaluated: 2024-12-11. Review status: criteria provided, single submitter. Criteria: Invitae Variant Classification Sherloc (09022015). Collection method: clinical testing. Allele origin: germline.
Comment: This sequence change replaces leucine, which is neutral and non-polar, with histidine, which is basic and polar, at codon 1301 of the FLNB protein (p.Leu1301His). This variant is not present in population databases (gnomAD no frequency). This variant has not been reported in the literature in individuals affected with FLNB-related conditions. Invitae Evidence Modeling of protein sequence and biophysical properties (such as structural, functional, and spatial information, amino acid conservation, physicochemical variation, residue mobility, and thermodynamic stability) indicates that this missense variant is not expected to disrupt FLNB protein function with a negative predictive value of 95%. In summary, the available evidence is currently insufficient to determine the role of this variant in disease. Therefore, it has been classified as a Variant of Uncertain Significance.

NM_001457.4(FLNB):c.3902T>A (p.Leu1301His)

Gene: FLNB (filamin B; plus strand). Cytogenetic location: 3p14.3.
Variant type: single nucleotide variant.
Coding change: c.3902T>A on transcript NM_001457.4 (MANE Select); coding-DNA position 3902, T replaced by A.
Protein change: p.Leu1301His; replaces leucine 1301 with histidine.
Molecular consequence: missense variant.
Genome position (GRCh38, 1-based): chr3:58,125,584, T>A. VCF-style: chr3-58125584-T-A. GRCh37 (hg19) VCF-style: chr3-58111311-T-A.
Other names: c.3902T>A, p.Leu1301His (NM_001164317.2, NM_001164318.2, NM_001164319.2); short protein forms L1301H.
Identifiers: ClinVar variation 3682682 (VCV003682682.2).